The following is an entry in ClinVar:

ClinVar aggregate classification (germline): Pathogenic/Likely pathogenic. Review status: criteria provided, multiple submitters, no conflicts (2 of 4 stars). 2 submissions from 2 submitters: Pathogenic (1); Likely pathogenic (1). Last evaluated 2026-09-01.

Conditions:
Hypophosphatasia. Also called: Phosphoethanol-aminuria. Identifiers: Orphanet 436, MedGen C0020630, MeSH D007014, MONDO:0018570.

Submissions (2):

Genomenon, Inc
Classification: Likely pathogenic for Hypophosphatasia. Last evaluated: 2026-09-01. Review status: criteria provided, single submitter. Criteria: Genomenon Sequence Variant Interpretation Standards - Updated. Collection method: curation. Allele origin: germline. Affected: yes.
Comment: ALPL p.Leu512AlafsTer? (c.1532_1533insC) is a frameshift variant that results in the production of an extended protein product that disrupts the C-terminal GPI anchor signal sequence. This variant has been observed in at least one proband affected with an ALPL-related disorder (PMID:33827627). It is absent or not present at a significant frequency in gnomAD. In conclusion, we classify ALPL p.Leu512AlafsTer? (c.1532_1533insC) as a likely pathogenic variant.

JKU Lab, Dept of Paediatrics, Johannes Kepler University
Classification: Pathogenic for Hypophosphatasia. Last evaluated: 2023-06-20. Review status: criteria provided, single submitter. Criteria: ACMG Guidelines, 2015. Collection method: clinical testing. Allele origin: germline. Affected: yes. Observed: 1 compound heterozygote.
Comment: Absent in GnomAD. The ACMG criteria applied can be looked up in the ALPL gene variant database.

Literature cited by the submitters: PubMed 33827627 (cited by Genomenon, Inc and JKU Lab, Dept of Paediatrics, Johannes Kepler University).

NM_000478.6(ALPL):c.1532_1533insC (p.Leu512fs)

Gene: ALPL (alkaline phosphatase, biomineralization associated; plus strand). Cytogenetic location: 1p36.12.
Variant type: Insertion.
Coding change: c.1532_1533insC on transcript NM_000478.6 (MANE Select); coding-DNA positions 1532 to 1533, C inserted.
Protein change: p.Leu512fs; shifts the reading frame from leucine 512.
Molecular consequence: frameshift variant.
Genome position: GRCh38 VCF-style: chr1-21577605-T-TC. GRCh37 (hg19) VCF-style: chr1-21904098-T-TC.
Other names: c.1367_1368insC, p.Leu457fs (NM_001127501.4); c.1301_1302insC, p.Leu435fs (NM_001177520.3); c.1532_1533insC, p.Leu512fs (NM_001369803.2, NM_001369804.2, NM_001369805.2); short protein forms L435fs, L457fs, L512fs.
Identifiers: ClinVar variation 2671811 (VCV002671811.2), dbSNP rs2545351984, ClinGen allele CA2695197982.
Genomic context (GRCh38, chr1:21,577,605, plus strand): 5'-GGGCCAACCTCGGCCACTGTGCTCCTGCCAGCTCGGCAGGCAGCCTTGCTGCAGGCCCCC[T>TC]GCTGCTCGCGCTGGCCCTCTACCCCCTGAGCGTCCTGTTCTGAGGGCCCAGGGCCCGGGC-3'